The following is an entry in ClinVar:

NM_000260.4(MYO7A):c.3064_3067del (p.Leu1022fs)

Gene: MYO7A (myosin VIIA; plus strand). Cytogenetic location: 11q13.5.
Variant type: Deletion.
Coding change: c.3064_3067del on transcript NM_000260.4 (MANE Select); coding-DNA positions 3064 to 3067, 4 bases deleted (CTCA; older notation c.3064_3067delCTCA).
Protein change: p.Leu1022fs; shifts the reading frame from leucine 1022.
Molecular consequence: frameshift variant.
Genome position (GRCh38, 1-based): chr11:77,182,110-77,182,113, CTCA deleted; deleting any 4 consecutive bases within chr11:77,182,108-77,182,113 gives the same sequence; the c. name uses the placement nearest the transcript's 3' end. VCF-style (leftmost placement, unchanged base first): chr11-77182107-CCACT-C. GRCh37 (hg19) VCF-style: chr11-76893153-CCACT-C.
Other names: c.3064_3067del, p.Leu1022fs (NM_001127180.2); c.3031_3034del, p.Leu1011fs (NM_001369365.1); short protein forms L1022fs, L1011fs.
Identifiers: ClinVar variation 422967 (VCV000422967.2), dbSNP rs1064796130, ClinGen allele CA645509491.

ClinVar aggregate classification (germline): Likely pathogenic (1 of 4 stars; one submission).

Submission:

GeneDx
Classification: Likely pathogenic. Last evaluated: 2017-01-13. Review status: criteria provided, single submitter. Criteria: GeneDx Variant Classification (06012015). Collection method: clinical testing. Allele origin: germline. Affected: yes.
Comment: The c.3064_3067delCTCA variant in the MYO7A gene has not been reported previously as a pathogenic variant nor as a benign variant, to our knowledge. The c.3064_3067delCTCA variant causes a frameshift starting with codon Leucine 1022, changes this amino acid to an Asparagine residue, and creates a premature Stop codon at position 39 of the new reading frame, denoted p.Leu1022AsnfsX39. This variant is predicted to cause loss of normal protein function either through protein truncation or nonsense-mediated mRNA decay. The c.3064_3067delCTCA variant was not observed in approximately 6,300 individuals of European and African American ancestry in the NHLBI Exome Sequencing Project, indicating it is not a common benign variant in these populations. We interpret c.3064_3067delCTCA as a likely pathogenic variant.